The following is an entry in ClinVar:

ClinVar aggregate classification (germline): Uncertain significance (1 of 4 stars; one submission).

Conditions:
DNA ligase IV deficiency. Identifiers: Orphanet 99812, MedGen C1847827, MONDO:0011686, OMIM 606593.

Submission:

Labcorp Genetics (formerly Invitae), Labcorp
Classification: Uncertain significance for DNA ligase IV deficiency. Last evaluated: 2022-08-23. Review status: criteria provided, single submitter. Criteria: Invitae Variant Classification Sherloc (09022015). Collection method: clinical testing. Allele origin: germline.
Comment: Algorithms developed to predict the effect of missense changes on protein structure and function (SIFT, PolyPhen-2, Align-GVGD) all suggest that this variant is likely to be disruptive. This variant has not been reported in the literature in individuals affected with LIG4-related conditions. This variant is not present in population databases (gnomAD no frequency). This sequence change replaces phenylalanine, which is neutral and non-polar, with cysteine, which is neutral and slightly polar, at codon 39 of the LIG4 protein (p.Phe39Cys). In summary, the available evidence is currently insufficient to determine the role of this variant in disease. Therefore, it has been classified as a Variant of Uncertain Significance.

NM_206937.2(LIG4):c.116T>G (p.Phe39Cys)

Gene: LIG4 (DNA ligase 4; minus strand). Cytogenetic location: 13q33.3.
Variant type: single nucleotide variant.
Coding change: c.116T>G on transcript NM_206937.2 (MANE Select); coding-DNA position 116, T replaced by G.
Protein change: p.Phe39Cys; replaces phenylalanine 39 with cysteine.
Molecular consequence: missense variant. On other transcripts: 5 prime UTR variant (1).
Genome position (GRCh38, 1-based): chr13:108,211,153, A>C on the plus strand (T>G on the coding strand, the complement: LIG4 is on the minus strand). VCF-style: chr13-108211153-A-C. GRCh37 (hg19) VCF-style: chr13-108863501-A-C.
Other names: c.116T>G, p.Phe39Cys (NM_001098268.2, NM_001352598.2, NM_001352599.2 and 6 more transcripts); c.-86T>G (NM_001330595.2); c.152T>G, p.Phe51Cys (NM_001352604.2); short protein forms F39C, F51C.
Identifiers: ClinVar variation 2102594 (VCV002102594.4), dbSNP rs2501629911, ClinGen allele CA388624486.
Genomic context (GRCh38, chr13:108,211,153, plus strand): 5'-TCTTTGTGGTTCTTATGAAGAGCATCATGAAATTTTCTCCAAGAATCTAAAAATTCCCTG[A>C]AGTGTCTGATTTTTTCTGCACGTCCTTTACTTTTCTGTATTCGTTCTAAAGTTGAACACA-3'
Protein context (NP_996820.1, residues 29-49): SKGRAEKIRH[Phe39Cys]REFLDSWRKF